The following is an entry in ClinVar:

ClinVar aggregate classification (germline): Uncertain significance. Review status: criteria provided, multiple submitters, no conflicts (2 of 4 stars). 2 submissions from 2 submitters: Uncertain significance (2). Last evaluated 2024-07-15.

Conditions:
Inborn genetic diseases. Identifiers: MedGen C0950123, MeSH D030342.

Allele frequency attached by ClinVar (database versions not stated): gnomAD exomes 0.00001; TOPMed 0.00001; ExAC 0.00002.
gnomAD v4.1: 8 of 1,613,976 alleles (0.0005%); highest among the groups gnomAD compares: Admixed American, 0.005%; no homozygotes.

Submissions (2):

Labcorp Genetics (formerly Invitae), Labcorp
Classification: Uncertain significance. Last evaluated: 2024-07-15. Review status: criteria provided, single submitter. Criteria: Invitae Variant Classification Sherloc (09022015). Collection method: clinical testing. Allele origin: germline.
Comment: This sequence change replaces glutamic acid, which is acidic and polar, with lysine, which is basic and polar, at codon 1615 of the NALCN protein (p.Glu1615Lys). This variant is present in population databases (rs756729162, gnomAD 0.006%). This variant has not been reported in the literature in individuals affected with NALCN-related conditions. ClinVar contains an entry for this variant (Variation ID: 2484425). Advanced modeling of protein sequence and biophysical properties (such as structural, functional, and spatial information, amino acid conservation, physicochemical variation, residue mobility, and thermodynamic stability) performed at Invitae indicates that this missense variant is not expected to disrupt NALCN protein function with a negative predictive value of 80%. In summary, the available evidence is currently insufficient to determine the role of this variant in disease. Therefore, it has been classified as a Variant of Uncertain Significance.

Ambry Genetics
Classification: Uncertain significance for Inborn genetic diseases. Last evaluated: 2023-02-15. Review status: criteria provided, single submitter. Criteria: Ambry Variant Classification Scheme 2023. Collection method: clinical testing. Allele origin: germline.

NM_052867.4(NALCN):c.4843G>A (p.Glu1615Lys)

Gene: NALCN (sodium leak channel, non-selective; minus strand). Cytogenetic location: 13q32.3.
Variant type: single nucleotide variant.
Coding change: c.4843G>A on transcript NM_052867.4 (MANE Select); coding-DNA position 4843, G replaced by A.
Protein change: p.Glu1615Lys; replaces glutamic acid 1615 with lysine.
Molecular consequence: missense variant.
Genome position (GRCh38, 1-based): chr13:101,059,880, C>T on the plus strand (G>A on the coding strand, the complement: NALCN is on the minus strand). VCF-style: chr13-101059880-C-T. GRCh37 (hg19) VCF-style: chr13-101712232-C-T.
Other names: c.4930G>A, p.Glu1644Lys (NM_001350748.2); c.4843G>A, p.Glu1615Lys (NM_001350749.2); c.4756G>A, p.Glu1586Lys (NM_001350750.2, NM_001350751.2); short protein forms E1644K, E1615K, E1586K.
Identifiers: ClinVar variation 2484425 (VCV002484425.4), dbSNP rs756729162, ClinGen allele CA7035006.